The following is an entry in ClinVar:

ClinVar aggregate classification (germline): Uncertain significance (1 of 4 stars; one submission).

Conditions:
Cardiovascular phenotype. Identifiers: MedGen CN230736.

gnomAD v4.1: 1 of 1,210,546 alleles (0.000083%); highest among the groups gnomAD compares: Non-Finnish European, 0.00011%; no homozygotes.

Submission:

Ambry Genetics
Classification: Uncertain significance for Cardiovascular phenotype. Last evaluated: 2025-06-23. Review status: criteria provided, single submitter. Criteria: Ambry Variant Classification Scheme 2023. Collection method: clinical testing. Allele origin: germline.
Comment: The p.N428I variant (also known as c.1283A>T), located in coding exon 11 of the DMD gene, results from an A to T substitution at nucleotide position 1283. The asparagine at codon 428 is replaced by isoleucine, an amino acid with dissimilar properties. This amino acid position is highly conserved in available vertebrate species. In addition, the in silico prediction for this alteration is inconclusive. Based on the available evidence, the clinical significance of this variant remains unclear.

NM_004006.3(DMD):c.1283A>T (p.Asn428Ile)

Gene: DMD (dystrophin; minus strand). Cytogenetic location: Xp21.1.
Variant type: single nucleotide variant.
Coding change: c.1283A>T on transcript NM_004006.3 (MANE Select); coding-DNA position 1283, A replaced by T.
Protein change: p.Asn428Ile; replaces asparagine 428 with isoleucine.
Molecular consequence: missense variant.
Genome position (GRCh38, 1-based): chrX:32,644,180, T>A on the plus strand (A>T on the coding strand, the complement: DMD is on the minus strand). VCF-style: chrX-32644180-T-A. GRCh37 (hg19) VCF-style: chrX-32662297-T-A.
Other names: c.1259A>T, p.Asn420Ile (NM_000109.4); c.1271A>T, p.Asn424Ile (NM_004009.3); c.914A>T, p.Asn305Ile (NM_004010.3); short protein forms N428I, N305I, N424I, N420I.
Identifiers: ClinVar variation 4241387 (VCV004241387.1).